The following is an entry in ClinVar:

ClinVar aggregate classification (germline): Uncertain significance (1 of 4 stars; one submission).

Submission:

GeneDx
Classification: Uncertain significance. Last evaluated: 2025-03-05. Review status: criteria provided, single submitter. Criteria: GeneDx Variant Classification Process June 2021. Collection method: clinical testing. Allele origin: germline. Affected: yes.
Comment: Not observed at significant frequency in large population cohorts (gnomAD); In silico analysis supports that this missense variant has a deleterious effect on protein structure/function; Has not been previously published as pathogenic or benign to our knowledge

NM_002232.5(KCNA3):c.1042G>A (p.Ala348Thr)

Gene: KCNA3 (potassium voltage-gated channel subfamily A member 3; minus strand). Cytogenetic location: 1p13.3.
Variant type: single nucleotide variant.
Coding change: c.1042G>A on transcript NM_002232.5 (MANE Select); coding-DNA position 1042, G replaced by A.
Protein change: p.Ala348Thr; replaces alanine 348 with threonine.
Molecular consequence: missense variant.
Genome position (GRCh38, 1-based): chr1:110,673,768, C>T on the plus strand (G>A on the coding strand, the complement: KCNA3 is on the minus strand). VCF-style: chr1-110673768-C-T. GRCh37 (hg19) VCF-style: chr1-111216390-C-T.
Other names: short protein forms A348T.
Identifiers: ClinVar variation 4083041 (VCV004083041.1).